The following is an entry in ClinVar:

ClinVar aggregate classification (germline): Uncertain significance. Review status: criteria provided, multiple submitters, no conflicts (2 of 4 stars). 2 submissions from 2 submitters: Uncertain significance (2). Last evaluated 2025-05-18.

Conditions:
Inborn genetic diseases. Identifiers: MedGen C0950123, MeSH D030342.
Joubert syndrome 21 (JBTS21). Identifiers: MedGen C3810212, MONDO:0014288, OMIM 615636.

Allele frequency attached by ClinVar (database versions not stated): ExAC 0.00002; gnomAD exomes 0.00002 and 0.00003; gnomAD 0.00003; TOPMed 0.00003.
gnomAD v4.1: 42 of 1,605,540 alleles (0.0026%); highest among the groups gnomAD compares: South Asian, 0.0045%; no homozygotes.

Submissions (2):

Ambry Genetics
Classification: Uncertain significance for Inborn genetic diseases. Last evaluated: 2025-05-18. Review status: criteria provided, single submitter. Criteria: Ambry Variant Classification Scheme 2023. Collection method: clinical testing. Allele origin: germline.

Labcorp Genetics (formerly Invitae), Labcorp
Classification: Uncertain significance for Joubert syndrome 21. Last evaluated: 2022-07-07. Review status: criteria provided, single submitter. Criteria: Invitae Variant Classification Sherloc (09022015). Collection method: clinical testing. Allele origin: germline.
Comment: This sequence change replaces threonine, which is neutral and polar, with methionine, which is neutral and non-polar, at codon 563 of the CSPP1 protein (p.Thr563Met). This variant is present in population databases (rs375847469, gnomAD 0.004%). This variant has not been reported in the literature in individuals affected with CSPP1-related conditions. ClinVar contains an entry for this variant (Variation ID: 1026630). Algorithms developed to predict the effect of missense changes on protein structure and function output the following: SIFT: "Tolerated"; PolyPhen-2: "Benign"; Align-GVGD: "Class C0". The methionine amino acid residue is found in multiple mammalian species, which suggests that this missense change does not adversely affect protein function. In summary, the available evidence is currently insufficient to determine the role of this variant in disease. Therefore, it has been classified as a Variant of Uncertain Significance.

NM_001382391.1(CSPP1):c.1703C>T (p.Thr568Met)

Gene: CSPP1 (centrosome and spindle pole associated protein 1; plus strand). Cytogenetic location: 8q13.2.
Variant type: single nucleotide variant.
Coding change: c.1703C>T on transcript NM_001382391.1 (MANE Select); coding-DNA position 1703, C replaced by T.
Protein change: p.Thr568Met; replaces threonine 568 with methionine.
Molecular consequence: missense variant.
Genome position (GRCh38, 1-based): chr8:67,131,956, C>T. VCF-style: chr8-67131956-C-T. GRCh37 (hg19) VCF-style: chr8-68044191-C-T.
Other names: c.806C>T, p.Thr269Met (NM_001291339.2); c.1622C>T, p.Thr541Met (NM_001363131.2); c.1661C>T, p.Thr554Met (NM_001363132.2); c.1580C>T, p.Thr527Met (NM_001363133.2); c.1769C>T, p.Thr590Met (NM_001364869.1); c.1589C>T, p.Thr530Met (NM_001364870.1); c.1688C>T, p.Thr563Met (NM_024790.7); short protein forms T269M, T527M, T530M, T541M, T554M, T563M, T568M, T590M.
Identifiers: ClinVar variation 1026630 (VCV001026630.7), dbSNP rs375847469, ClinGen allele CA4770645.
Genomic context (GRCh38, chr8:67,131,956, plus strand): 5'-TTCTTCTTGCTTTGTCGTCAATGGATTTAAATTATTTATTGTGTATTTGATGTAGGAATA[C>T]GGTTGGACAGAATGAACTGAAGATTACAAGTGATCAAGTGATAAATTCAGGATTGATTTT-3'
Protein context (NP_001369320.1, residues 558-578): THQLAQPVVN[Thr568Met]VGQNELKITS